The following is an entry in ClinVar:

NM_001199267.2(DGKZ):c.162-583C>T

Gene: DGKZ (diacylglycerol kinase zeta; plus strand). Cytogenetic location: 11p11.2.
Variant type: single nucleotide variant.
Coding change: c.162-583C>T on transcript NM_001199267.2 (MANE Select); 583 bases into the intron before coding-DNA position 162, C replaced by T.
Molecular consequence: intron variant. On other transcripts: missense variant (1).
Genome position (GRCh38, 1-based): chr11:46,366,708, C>T. VCF-style: chr11-46366708-C-T. GRCh37 (hg19) VCF-style: chr11-46388258-C-T.
Other names: c.452C>T, p.Pro151Leu (NM_001105540.2); c.213-583C>T (NM_201532.3); c.177-583C>T (NM_201533.3); c.162-583C>T (NM_001199266.2, NM_003646.4, NM_001199268.2); short protein forms P151L.
Identifiers: ClinVar variation 2979840 (VCV002979840.3), dbSNP rs776489424, ClinGen allele CA5962166.

ClinVar aggregate classification (germline): Uncertain significance (1 of 4 stars; one submission).

Allele frequency attached by ClinVar (database versions not stated): gnomAD 0.00001; TOPMed 0.00003.
gnomAD v4.1: 32 of 1,560,134 alleles (0.0021%); highest among the groups gnomAD compares: African/African-American, 0.0041%; no homozygotes.

Submission:

Labcorp Genetics (formerly Invitae), Labcorp
Classification: Uncertain significance. Last evaluated: 2023-04-13. Review status: criteria provided, single submitter. Criteria: Invitae Variant Classification Sherloc (09022015). Collection method: clinical testing. Allele origin: germline.
Comment: The frequency data for this variant in the population databases is considered unreliable, as metrics indicate poor data quality at this position in the gnomAD database. In summary, the available evidence is currently insufficient to determine the role of this variant in disease. Therefore, it has been classified as a Variant of Uncertain Significance. Algorithms developed to predict the effect of missense changes on protein structure and function output the following: SIFT: "Not Available"; PolyPhen-2: "Benign"; Align-GVGD: "Not Available". The leucine amino acid residue is found in multiple mammalian species, which suggests that this missense change does not adversely affect protein function. This variant has not been reported in the literature in individuals affected with DGKZ-related conditions. This sequence change replaces proline, which is neutral and non-polar, with leucine, which is neutral and non-polar, at codon 151 of the DGKZ protein (p.Pro151Leu).